The following is an entry in ClinVar:

ClinVar aggregate classification (germline): Uncertain significance. Review status: criteria provided, multiple submitters, no conflicts (2 of 4 stars). 2 submissions from 2 submitters: Uncertain significance (2). Last evaluated 2022-11-23.

gnomAD v4.1: 8 of 1,569,928 alleles (0.00051%); highest among the groups gnomAD compares: South Asian, 0.0012%; no homozygotes.

Submissions (2):

Ambry Genetics
Classification: Uncertain significance. Last evaluated: 2022-11-23. Review status: criteria provided, single submitter. Criteria: Ambry Variant Classification Scheme 2023. Collection method: clinical testing. Allele origin: germline.

Labcorp Genetics (formerly Invitae), Labcorp
Classification: Uncertain significance. Last evaluated: 2022-04-01. Review status: criteria provided, single submitter. Criteria: Invitae Variant Classification Sherloc (09022015). Collection method: clinical testing. Allele origin: germline.
Comment: In summary, the available evidence is currently insufficient to determine the role of this variant in disease. Therefore, it has been classified as a Variant of Uncertain Significance. This sequence change replaces alanine, which is neutral and non-polar, with valine, which is neutral and non-polar, at codon 27 of the DSCAML1 protein (p.Ala27Val). The frequency data for this variant in the population databases is considered unreliable, as metrics indicate poor data quality at this position in the gnomAD database. This variant has not been reported in the literature in individuals affected with DSCAML1-related conditions. Algorithms developed to predict the effect of missense changes on protein structure and function are either unavailable or do not agree on the potential impact of this missense change (SIFT: "Deleterious"; PolyPhen-2: "Not Available"; Align-GVGD: "Class C0").

NM_020693.4(DSCAML1):c.-101C>T

Gene: DSCAML1 (DS cell adhesion molecule like 1; minus strand). Cytogenetic location: 11q23.3.
Variant type: single nucleotide variant.
Coding change: c.-101C>T on transcript NM_020693.4 (MANE Select); 101 bases upstream of the start codon, C replaced by T.
Molecular consequence: 5 prime UTR variant. On other transcripts: intron variant (1).
Genome position (GRCh38, 1-based): chr11:117,797,180, G>A on the plus strand (C>T on the coding strand, the complement: DSCAML1 is on the minus strand). VCF-style: chr11-117797180-G-A. GRCh37 (hg19) VCF-style: chr11-117667895-G-A.
Other names: c.-101C>T (NM_001367904.1); c.-362-16370C>T (NM_001367905.1).
Identifiers: ClinVar variation 1915092 (VCV001915092.6), dbSNP rs755219849, ClinGen allele CA382762418.